The following is an entry in ClinVar:

ClinVar aggregate classification (germline): Uncertain significance. Review status: criteria provided, multiple submitters, no conflicts (2 of 4 stars). 4 submissions from 3 submitters: Uncertain significance (4). Last evaluated 2024-03-15.

Conditions:
Seckel syndrome 1 (SCKL1). Also called: MICROCEPHALIC PRIMORDIAL DWARFISM I. Identifiers: Orphanet 808, MedGen C4551474, MONDO:0008869, OMIM 210600.
Inborn genetic diseases. Identifiers: MedGen C0950123, MeSH D030342.
Familial cutaneous telangiectasia and oropharyngeal predisposition cancer syndrome. Identifiers: Orphanet 313846, MedGen C3281203, MONDO:0013806, OMIM 614564.

Allele frequency attached by ClinVar (database versions not stated): gnomAD exomes below 0.00001 and 0.00001; gnomAD 0.00001; TOPMed 0.00002.
gnomAD v4.1: 12 of 1,612,346 alleles (0.00074%); highest among the groups gnomAD compares: Non-Finnish European, 0.001%; no homozygotes.

Submissions (4):

Labcorp Genetics (formerly Invitae), Labcorp
Classification: Uncertain significance. Last evaluated: 2024-03-15. Review status: criteria provided, single submitter. Criteria: Invitae Variant Classification Sherloc (09022015). Collection method: clinical testing. Allele origin: germline.
Comment: This sequence change replaces glutamic acid, which is acidic and polar, with lysine, which is basic and polar, at codon 1309 of the ATR protein (p.Glu1309Lys). This variant is present in population databases (no rsID available, gnomAD 0.0009%). This variant has not been reported in the literature in individuals affected with ATR-related conditions. ClinVar contains an entry for this variant (Variation ID: 1506845). An algorithm developed to predict the effect of missense changes on protein structure and function (PolyPhen-2) suggests that this variant is likely to be disruptive. In summary, the available evidence is currently insufficient to determine the role of this variant in disease. Therefore, it has been classified as a Variant of Uncertain Significance.

Genome-Nilou Lab
Classification: Uncertain significance for Seckel syndrome 1. Last evaluated: 2023-02-08. Review status: criteria provided, single submitter. Criteria: ACMG Guidelines, 2015. Collection method: clinical testing. Allele origin: germline.

Genome-Nilou Lab
Classification: Uncertain significance for Familial cutaneous telangiectasia and oropharyngeal predisposition cancer syndrome. Last evaluated: 2023-02-08. Review status: criteria provided, single submitter. Criteria: ACMG Guidelines, 2015. Collection method: clinical testing. Allele origin: germline.

Ambry Genetics
Classification: Uncertain significance for Inborn genetic diseases. Last evaluated: 2022-10-11. Review status: criteria provided, single submitter. Criteria: Ambry Variant Classification Scheme 2023. Collection method: clinical testing. Allele origin: germline.
Comment: The p.E1309K variant (also known as c.3925G>A), located in coding exon 21 of the ATR gene, results from a G to A substitution at nucleotide position 3925. The glutamic acid at codon 1309 is replaced by lysine, an amino acid with similar properties. This amino acid position is conserved. In addition, the in silico prediction for this alteration is inconclusive. Since supporting evidence is limited at this time, the clinical significance of this alteration remains unclear.

NM_001184.4(ATR):c.3925G>A (p.Glu1309Lys)

Gene: ATR (ATR checkpoint kinase; minus strand). Cytogenetic location: 3q23.
Variant type: single nucleotide variant.
Coding change: c.3925G>A on transcript NM_001184.4 (MANE Select); coding-DNA position 3925, G replaced by A.
Protein change: p.Glu1309Lys; replaces glutamic acid 1309 with lysine.
Molecular consequence: missense variant.
Genome position (GRCh38, 1-based): chr3:142,535,100, C>T on the plus strand (G>A on the coding strand, the complement: ATR is on the minus strand). VCF-style: chr3-142535100-C-T. GRCh37 (hg19) VCF-style: chr3-142253942-C-T.
Other names: c.3733G>A, p.Glu1245Lys (NM_001354579.2); short protein forms E1245K, E1309K.
Identifiers: ClinVar variation 1506845 (VCV001506845.10), dbSNP rs947429668, ClinGen allele CA84732450.